The following is an entry in ClinVar:

ClinVar aggregate classification (germline): Pathogenic. Review status: criteria provided, multiple submitters, no conflicts (2 of 4 stars). 3 submissions from 3 submitters: Pathogenic (3). Last evaluated 2024-09-01.

Conditions:
Fanconi anemia complementation group J. Also called: BRIP1-Related Fanconi Anemia. Identifiers: Orphanet 84, MedGen C1836860, MONDO:0012187, OMIM 609054.
Familial cancer of breast. Also called: BREAST CANCER, FAMILIAL; Hereditary breast cancer; hereditary breast carcinoma. Identifiers: Orphanet 227535, MedGen C0346153, MONDO:0016419, OMIM 114480. Disease mechanism: loss of function.
Hereditary cancer-predisposing syndrome. Also called: Tumor predisposition; Neoplastic Syndromes, Hereditary; Hereditary Cancer Syndrome; Hereditary neoplastic syndrome. Identifiers: Orphanet 140162, MedGen C0027672, MeSH D009386, MONDO:0015356.

Submissions (3):

Labcorp Genetics (formerly Invitae), Labcorp
Classification: Pathogenic for Familial cancer of breast; Fanconi anemia complementation group J. Last evaluated: 2024-09-01. Review status: criteria provided, single submitter. Criteria: Invitae Variant Classification Sherloc (09022015). Collection method: clinical testing. Allele origin: germline.
Comment: This sequence change creates a premature translational stop signal (p.Ser644*) in the BRIP1 gene. It is expected to result in an absent or disrupted protein product. Loss-of-function variants in BRIP1 are known to be pathogenic (PMID: 16116423, 17033622, 21964575). This variant is not present in population databases (gnomAD no frequency). This variant has not been reported in the literature in individuals affected with BRIP1-related conditions. ClinVar contains an entry for this variant (Variation ID: 1782892). For these reasons, this variant has been classified as Pathogenic.

Myriad Genetics, Inc.
Classification: Pathogenic for Familial cancer of breast. Last evaluated: 2023-06-05. Review status: criteria provided, single submitter. Criteria: Myriad Autosomal Dominant, Autosomal Recessive and X-Linked Classification Criteria (2023). Collection method: clinical testing. Allele origin: unknown.
Comment: This variant is considered pathogenic. This variant creates a termination codon and is predicted to result in premature protein truncation.

Ambry Genetics
Classification: Pathogenic for Hereditary cancer-predisposing syndrome. Last evaluated: 2019-08-10. Review status: criteria provided, single submitter. Criteria: Ambry Variant Classification Scheme 2023. Collection method: clinical testing. Allele origin: germline.
Comment: The p.S644* pathogenic mutation (also known as c.1931C>A), located in coding exon 12 of the BRIP1 gene, results from a C to A substitution at nucleotide position 1931. This changes the amino acid from a serine to a stop codon within coding exon 12. This alteration is expected to result in loss of function by premature protein truncation or nonsense-mediated mRNA decay. As such, this alteration is interpreted as a disease-causing mutation.

Literature cited by the submitters: PubMed 16116423 (cited by Labcorp Genetics (formerly Invitae), Labcorp); PubMed 17033622 (cited by Labcorp Genetics (formerly Invitae), Labcorp); PubMed 21964575 (cited by Labcorp Genetics (formerly Invitae), Labcorp).

NM_032043.3(BRIP1):c.1931C>A (p.Ser644Ter)

Gene: BRIP1 (BRCA1 interacting DNA helicase 1; minus strand). Cytogenetic location: 17q23.2.
Variant type: single nucleotide variant.
Coding change: c.1931C>A on transcript NM_032043.3 (MANE Select); coding-DNA position 1931, C replaced by A.
Protein change: p.Ser644Ter; replaces serine 644 with a stop codon.
Molecular consequence: nonsense.
Genome position (GRCh38, 1-based): chr17:61,780,265, G>T on the plus strand (C>A on the coding strand, the complement: BRIP1 is on the minus strand). VCF-style: chr17-61780265-G-T. GRCh37 (hg19) VCF-style: chr17-59857626-G-T.
Other names: short protein forms S644*.
Identifiers: ClinVar variation 1782892 (VCV001782892.6), dbSNP rs2145074473, ClinGen allele CA400479160.